The following is an entry in ClinVar:

NM_014989.7(RIMS1):c.477G>A (p.Met159Ile)

Gene: RIMS1 (regulating synaptic membrane exocytosis 1; plus strand). Cytogenetic location: 6q13.
Variant type: single nucleotide variant.
Coding change: c.477G>A on transcript NM_014989.7 (MANE Select); coding-DNA position 477, G replaced by A.
Protein change: p.Met159Ile; replaces methionine 159 with isoleucine.
Molecular consequence: missense variant.
Genome position (GRCh38, 1-based): chr6:72,179,580, G>A. VCF-style: chr6-72179580-G-A. GRCh37 (hg19) VCF-style: chr6-72889283-G-A.
Other names: c.477G>A (NM_014989.4); short protein forms M159I.
Identifiers: ClinVar variation 1481796 (VCV001481796.11), dbSNP rs371251844, ClinGen allele CA3885538.
Genomic context (GRCh38, chr6:72,179,580, plus strand): 5'-AAAATTATTTCCAAGAGGGCATAAAAATTTATATTGTTCTTTCTTCTTCAAATAGGTTAT[G>A]TGGGTATGCAATTTATGTCGAAAGCAACAAGAAATCTTAACCAAATCTGGGGCATGGTTC-3'
Protein context (NP_055804.2, residues 149-169): LRSNNEDKVV[Met159Ile]WVCNLCRKQQ

ClinVar aggregate classification (germline): Uncertain significance. Review status: criteria provided, multiple submitters, no conflicts (2 of 4 stars). 3 submissions from 3 submitters: Uncertain significance (3). Last evaluated 2023-03-24.

Allele frequency attached by ClinVar (database versions not stated): gnomAD exomes below 0.00001 and 0.00001; ExAC 0.00001; gnomAD 0.00001; TOPMed 0.00002; ESP Exome Variant Server 0.00008.

Submissions (3):

Ambry Genetics
Classification: Uncertain significance. Last evaluated: 2023-03-24. Review status: criteria provided, single submitter. Criteria: Ambry Variant Classification Scheme 2023. Collection method: clinical testing. Allele origin: germline.

Labcorp Genetics (formerly Invitae), Labcorp
Classification: Uncertain significance. Last evaluated: 2022-09-10. Review status: criteria provided, single submitter. Criteria: Invitae Variant Classification Sherloc (09022015). Collection method: clinical testing. Allele origin: germline.
Comment: This variant has not been reported in the literature in individuals affected with RIMS1-related conditions. This sequence change replaces methionine, which is neutral and non-polar, with isoleucine, which is neutral and non-polar, at codon 159 of the RIMS1 protein (p.Met159Ile). This variant is present in population databases (rs371251844, gnomAD 0.01%). ClinVar contains an entry for this variant (Variation ID: 1481796). Algorithms developed to predict the effect of missense changes on protein structure and function are either unavailable or do not agree on the potential impact of this missense change (SIFT: "Deleterious"; PolyPhen-2: "Probably Damaging"; Align-GVGD: "Class C0"). In summary, the available evidence is currently insufficient to determine the role of this variant in disease. Therefore, it has been classified as a Variant of Uncertain Significance.

Blueprint Genetics
Classification: Uncertain significance. Last evaluated: 2021-10-11. Review status: criteria provided, single submitter. Criteria: ACMG Guidelines, 2015. Collection method: clinical testing. Allele origin: germline.